The following is an entry in ClinVar:

ClinVar aggregate classification (germline): Likely benign. Review status: criteria provided, multiple submitters, no conflicts (2 of 4 stars). 4 submissions from 4 submitters: Likely benign (3). 1 of the submissions does not count toward it. Last evaluated 2024-03-19.

Conditions:
PKD1-related disorder. Also called: PKD1-related condition.
Polycystic kidney disease, adult type (PKD1). Also called: Polycystic Kidney Disease 1, Autosomal Dominant; Polycystic kidney disease 1; Polycystic kidney disease 1, severe; Polycystic Kidney, Autosomal Dominant; POLYCYSTIC KIDNEY DISEASE 1 WITH OR WITHOUT POLYCYSTIC LIVER DISEASE; POLYCYSTIC KIDNEY DISEASE, ADULT, TYPE I. Identifiers: MedGen C3149841, MONDO:0008263, OMIM 173900.

Allele frequency attached by ClinVar (database versions not stated): gnomAD exomes 0.00005; ExAC 0.00025.
gnomAD v4.1: 69 of 1,589,596 alleles (0.0043%); highest among the groups gnomAD compares: South Asian, 0.073%; 1 homozygote.

Submissions (4):

Fulgent Genetics
Classification: Likely benign for Polycystic kidney disease, adult type. Last evaluated: 2024-03-19. Review status: criteria provided, single submitter. Criteria: ACMG Guidelines, 2015. Collection method: clinical testing. Allele origin: germline.

Department of Pathology and Laboratory Medicine, Sinai Health System
Classification: Likely benign for Polycystic kidney disease, adult type. Last evaluated: 2023-11-01. Review status: criteria provided, single submitter. Criteria: ACMG Guidelines, 2015. Collection method: clinical testing. Allele origin: germline. Affected: yes.

Blueprint Genetics
Classification: Likely benign. Last evaluated: 2020-07-22. Review status: criteria provided, single submitter. Criteria: ACMG Guidelines, 2015. Collection method: clinical testing. Allele origin: germline.

PreventionGenetics, part of Exact Sciences
Classification: Likely benign for PKD1-related condition. Last evaluated: 2022-08-29. Review status: no assertion criteria provided. Collection method: clinical testing. Allele origin: germline. Not counted in ClinVar's aggregate classification.
Comment: This variant is classified as likely benign based on ACMG/AMP sequence variant interpretation guidelines (Richards et al. 2015 PMID: 25741868, with internal and published modifications).

NM_001009944.3(PKD1):c.7466C>G (p.Thr2489Ser)

Gene: PKD1 (polycystin 1, transient receptor potential channel interacting; minus strand). Cytogenetic location: 16p13.3.
Variant type: single nucleotide variant.
Coding change: c.7466C>G on transcript NM_001009944.3 (MANE Select); coding-DNA position 7466, C replaced by G.
Protein change: p.Thr2489Ser; replaces threonine 2489 with serine.
Molecular consequence: missense variant.
Genome position (GRCh38, 1-based): chr16:2,106,421, G>C on the plus strand (C>G on the coding strand, the complement: PKD1 is on the minus strand). VCF-style: chr16-2106421-G-C. GRCh37 (hg19) VCF-style: chr16-2156422-G-C.
Other names: c.7466C>G, p.Thr2489Ser (NM_000296.4); short protein forms T2489S.
Identifiers: ClinVar variation 3029789 (VCV003029789.5), dbSNP rs754358218, ClinGen allele CA7831122.